The following is an entry in ClinVar:

NM_017780.4(CHD7):c.1536A>G (p.Pro512=)

Gene: CHD7 (chromodomain helicase DNA binding protein 7; plus strand). Cytogenetic location: 8q12.2.
Variant type: single nucleotide variant.
Coding change: c.1536A>G on transcript NM_017780.4 (MANE Select); coding-DNA position 1536, A replaced by G.
Protein change: p.Pro512=; no amino-acid change (proline 512 retained).
Molecular consequence: synonymous variant.
Genome position (GRCh38, 1-based): chr8:60,742,968, A>G. VCF-style: chr8-60742968-A-G. GRCh37 (hg19) VCF-style: chr8-61655527-A-G.
Other names: c.1536A>G (LRG_176t1); c.1536A>G, p.Pro512= (NM_001316690.1).
Identifiers: ClinVar variation 195330 (VCV000195330.34), dbSNP rs148577619, ClinGen allele CA201669.
Genomic context (GRCh38, chr8:60,742,968, plus strand): 5'-GGAACGACTGATACCTGGCCAACAACATCCTGGTCAACAGCCATCTTTTCAGCAGTTGCC[A>G]ACCTGTCCTCCACTGCAGCCTCACCCGGGCTTGCACCACCAGTCTTCACCTCCACACCCT-3'
Protein context (NP_060250.2, residues 502-522): PGQQPSFQQL[Pro512=]TCPPLQPHPG

ClinVar aggregate classification (germline): Benign/Likely benign. Review status: criteria provided, multiple submitters, no conflicts (2 of 4 stars). 11 submissions from 11 submitters: Benign (7); Likely benign (3). 1 of the submissions does not count toward it. Last evaluated 2026-01-12.

Conditions:
CHD7-related disorder. Also called: CHD7-related condition.
Inborn genetic diseases. Identifiers: MedGen C0950123, MeSH D030342.
CHARGE syndrome (CHARGE). Also called: Coloboma, heart anomaly, choanal atresia, retardation, genital and ear anomalies; CHARGE association; Hall-Hittner syndrome; CHARGE ASSOCIATION--COLOBOMA, HEART ANOMALY, CHOANAL ATRESIA, RETARDATION, GENITAL AND EAR ANOMALIES; Hittner Hirsch Kreh syndrome. Identifiers: Orphanet 138, MedGen C0265354, MONDO:0008965.
Hypogonadotropic hypogonadism 5 with or without anosmia (KAL5). Also called: HYPOGONADOTROPIC HYPOGONADISM 5 WITH ANOSMIA; HYPOGONADOTROPHIC HYPOGONADISM 5 WITHOUT ANOSMIA; CHD7-Related GnRH Deficiency (Kallmann Syndrome 5). Identifiers: Orphanet 478, MedGen C3552553, MONDO:0012880, OMIM 612370. Disease mechanism: loss of function.

Allele frequency attached by ClinVar (database versions not stated): gnomAD exomes 0.00019 and 0.00079; ExAC 0.00104; gnomAD 0.00214 and 0.00218; TOPMed 0.00254; ESP Exome Variant Server 0.00274; 1000 Genomes Project 0.00499; 1000 Genomes Project 30x 0.00500.
gnomAD v4.1: 621 of 1,613,642 alleles (0.038%); highest among the groups gnomAD compares: African/African-American, 0.68%; 5 homozygotes.

Submissions (11):

Labcorp Genetics (formerly Invitae), Labcorp
Classification: Benign for CHARGE syndrome. Last evaluated: 2026-01-12. Review status: criteria provided, single submitter. Criteria: Invitae Variant Classification Sherloc (09022015). Collection method: clinical testing. Allele origin: germline.

CeGaT Center for Human Genetics Tuebingen
Classification: Likely benign. Last evaluated: 2025-03-01. Review status: criteria provided, single submitter. Criteria: CeGaT Center For Human Genetics Tuebingen Variant Classification Criteria Version 2. Collection method: clinical testing. Allele origin: germline. Affected: yes. Observed: 1 variant allele.
Comment: CHD7: BP4, BP7

Blueprint Genetics
Classification: Likely benign. Last evaluated: 2024-11-25. Review status: criteria provided, single submitter. Criteria: ACMG Guidelines, 2015. Collection method: clinical testing. Allele origin: germline.

Women's Health and Genetics/Laboratory Corporation of America, LabCorp
Classification: Benign. Last evaluated: 2024-02-25. Review status: criteria provided, single submitter. Criteria: LabCorp Variant Classification Summary - May 2015. Collection method: clinical testing. Allele origin: germline.

Fulgent Genetics
Classification: Likely benign for CHD7-related CHARGE syndrome; Hypogonadotropic hypogonadism 5 with or without anosmia. Last evaluated: 2021-08-02. Review status: criteria provided, single submitter. Criteria: ACMG Guidelines, 2015. Collection method: clinical testing. Allele origin: unknown.

Athena Diagnostics
Classification: Benign. Last evaluated: 2020-07-09. Review status: criteria provided, single submitter. Criteria: Athena Diagnostics Criteria. Collection method: clinical testing. Allele origin: unknown.

Ambry Genetics
Classification: Benign for Inborn genetic diseases. Last evaluated: 2017-01-31. Review status: criteria provided, single submitter. Criteria: Ambry Variant Classification Scheme 2023. Collection method: clinical testing. Allele origin: germline.

GeneDx
Classification: Benign. Last evaluated: 2015-08-24. Review status: criteria provided, single submitter. Criteria: GeneDx Variant Classification (06012015). Collection method: clinical testing. Allele origin: germline. Affected: yes.
Comment: This variant is considered likely benign or benign based on one or more of the following criteria: it is a conservative change, it occurs at a poorly conserved position in the protein, it is predicted to be benign by multiple in silico algorithms, and/or has population frequency not consistent with disease.

Eurofins Ntd Llc (ga)
Classification: Benign. Last evaluated: 2015-01-06. Review status: criteria provided, single submitter. Criteria: EGL Classification Definitions 2015. Collection method: clinical testing. Allele origin: germline. Observed: 1 variant allele, 1 heterozygote.

Breakthrough Genomics
Classification: Benign. Review status: criteria provided, single submitter. Criteria: ACMG Guidelines, 2015. Collection method: not provided. Allele origin: germline. Inheritance: Autosomal dominant inheritance. Affected: yes.

PreventionGenetics, part of Exact Sciences
Classification: Benign for CHD7-related condition. Last evaluated: 2020-11-16. Review status: no assertion criteria provided. Collection method: clinical testing. Allele origin: germline. Not counted in ClinVar's aggregate classification.
Comment: This variant is classified as benign based on ACMG/AMP sequence variant interpretation guidelines (Richards et al. 2015 PMID: 25741868, with internal and published modifications).